The following is an entry in ClinVar:

NM_004187.5(KDM5C):c.229G>A (p.Ala77Thr)

Gene: KDM5C (lysine demethylase 5C; minus strand). Cytogenetic location: Xp11.22.
Variant type: single nucleotide variant.
Coding change: c.229G>A on transcript NM_004187.5 (MANE Select); coding-DNA position 229, G replaced by A.
Protein change: p.Ala77Thr; replaces alanine 77 with threonine.
Molecular consequence: missense variant. On other transcripts: non-coding transcript variant (2), intron variant (1).
Genome position (GRCh38, 1-based): chrX:53,218,398, C>T on the plus strand (G>A on the coding strand, the complement: KDM5C is on the minus strand). VCF-style: chrX-53218398-C-T. GRCh37 (hg19) VCF-style: chrX-53247580-C-T.
Other names: c.229G>A, p.Ala77Thr (NM_001282622.3, NM_001353978.3, NM_001353979.2 and 3 more transcripts); c.151-432G>A (NM_001146702.2); short protein forms A77T.
Identifiers: ClinVar variation 9778 (VCV000009778.4), dbSNP rs199422239, ClinGen allele CA120658.
Genomic context (GRCh38, chrX:53,218,398, plus strand): 5'-CCTGGATTTCCCAGAATTTGGCAATCTGGTCCAAGTAGTTCAGTTTCACTCTCGTCTGGG[C>T]CTGAAGAAGAAATGGCTCAAAGAGGCTGGCCACCCCCTCCCACTGACCACTATCTTTGGG-3'
Protein context (NP_004178.2, residues 67-87): PRIQRLNELE[Ala77Thr]QTRVKLNYLD

ClinVar aggregate classification (germline): Likely pathogenic. Review status: criteria provided, single submitter (1 of 4 stars). 2 submissions from 2 submitters: Likely pathogenic (1). 1 of the submissions does not count toward it. Last evaluated 2016-04-13.

Conditions:
Inborn genetic diseases. Identifiers: MedGen C0950123, MeSH D030342.
Intellectual developmental disorder, X-linked, syndromic, Claes-Jensen type. Also called: INTELLECTUAL DEVELOPMENTAL DISORDER, X-LINKED, SYNDROMIC 16; MENTAL RETARDATION, X-LINKED, SYNDROMIC 16; Syndromic X-linked intellectual disability Claes-Jensen type. Identifiers: Orphanet 85279, MedGen C1845243, MONDO:0010355, OMIM 300534.

Submissions (2):

Ambry Genetics
Classification: Likely pathogenic for Inborn genetic diseases. Last evaluated: 2016-04-13. Review status: criteria provided, single submitter. Criteria: Ambry Variant Classification Scheme 2023. Collection method: clinical testing. Allele origin: germline.
Comment: The p.A77T variant (also known as c.229G>A) is located in coding exon 3 of the KDM5C gene. This alteration results from a G to A substitution at nucleotide position 229. The alanine at codon 77 is replaced by threonine, an amino acid with similar properties. This change occurs in the first base pair of coding exon 3. This alteration was observed to track with disease in one family with seven affected individuals, three males and four females with skewed X-inactivation, and was not detected in 2 unaffected females; clinical features in this family included intellectual disability, short stature, strabismus, broad hands, and hyperreflexia (Abidi FE et al. J Med Genet. 2008; 45(12):787-93). A computational analysis found this alteration, which is located in the ARID domain, did not affect the DNA binding of this domain and authors suggest the mechanism of disease is not related to DNA binding (Peng et al. Int J Mol Sci. 2015;16(11):27270-87). This variant was previously reported in the SNPDatabase as rs199422239. This variant was not reported in population-based cohorts in the following databases: Database of Single Nucleotide Polymorphisms (dbSNP), NHLBI Exome Sequencing Project (ESP), 1000 Genomes Project and ExAC. In the ESP, this variant was not observed in 6,503 samples with coverage at this position. This amino acid position is highly conserved in available vertebrate species. In addition, this alteration is predicted to be deleterious by in silico analysis. Based on the majority of available evidence to date, this variant is likely to be pathogenic.

OMIM
Classification: Pathogenic for INTELLECTUAL DEVELOPMENTAL DISORDER, X-LINKED, SYNDROMIC, CLAES-JENSEN TYPE. Last evaluated: 2008-12-01. Review status: no assertion criteria provided. Collection method: literature only. Allele origin: germline. Not counted in ClinVar's aggregate classification.

Literature cited by the submitters: PubMed 17244608 (cited by Ambry Genetics); PubMed 18697827 (cited by Ambry Genetics and OMIM).